The following is an entry in ClinVar:

ClinVar aggregate classification (germline): Likely benign. Review status: criteria provided, single submitter (1 of 4 stars). 2 submissions from 2 submitters: Likely benign (1). 1 of the submissions does not count toward it. Last evaluated 2022-10-01.

Conditions:
KLK4-related disorder. Also called: KLK4-related condition.

Allele frequency attached by ClinVar (database versions not stated): TOPMed 0.00009; gnomAD 0.00012; ExAC 0.00013; ESP Exome Variant Server 0.00015; gnomAD exomes 0.00025.
gnomAD v4.1: 372 of 1,614,016 alleles (0.023%); highest among the groups gnomAD compares: Middle Eastern, 0.033%; no homozygotes.

Submissions (2):

CeGaT Center for Human Genetics Tuebingen
Classification: Likely benign. Last evaluated: 2022-10-01. Review status: criteria provided, single submitter. Criteria: CeGaT Center For Human Genetics Tuebingen Variant Classification Criteria Version 2. Collection method: clinical testing. Allele origin: germline. Affected: yes. Observed: 1 variant allele.
Comment: KLK4: BP4, BP7

PreventionGenetics, part of Exact Sciences
Classification: Likely benign for KLK4-related condition. Last evaluated: 2019-10-28. Review status: no assertion criteria provided. Collection method: clinical testing. Allele origin: germline. Not counted in ClinVar's aggregate classification.
Comment: This variant is classified as likely benign based on ACMG/AMP sequence variant interpretation guidelines (Richards et al. 2015 PMID: 25741868, with internal and published modifications).

NM_004917.5(KLK4):c.756G>A (p.Gln252=)

Gene: KLK4 (kallikrein related peptidase 4; minus strand). Cytogenetic location: 19q13.41.
Variant type: single nucleotide variant.
Coding change: c.756G>A on transcript NM_004917.5 (MANE Select); coding-DNA position 756, G replaced by A.
Protein change: p.Gln252=; no amino-acid change (glutamine 252 retained).
Molecular consequence: synonymous variant. On other transcripts: non-coding transcript variant (1).
Genome position (GRCh38, 1-based): chr19:50,906,943, C>T on the plus strand (G>A on the coding strand, the complement: KLK4 is on the minus strand). VCF-style: chr19-50906943-C-T. GRCh37 (hg19) VCF-style: chr19-51410199-C-T.
Other names: c.471G>A, p.Gln157= (NM_001302961.2); c.756G>A (NM_004917.4).
Identifiers: ClinVar variation 2650365 (VCV002650365.25), dbSNP rs142492326, ClinGen allele CA9604971.